The following is an entry in ClinVar:

NC_012920.1(MT-CO3):m.9664A>G

Gene: MT-CO3 (mitochondrially encoded cytochrome c oxidase III; plus strand).
Variant type: single nucleotide variant.
Genome position: chrM-9664-A-G.
Identifiers: ClinVar variation 693202 (VCV000693202.1), dbSNP rs1603222429, ClinGen allele CA414803436.

ClinVar aggregate classification (germline): Benign (1 of 4 stars; one submission).

Conditions:
Leigh syndrome (NULS). Also called: Leigh's necrotizing encephalopathy; Leigh's disease; Leigh Syndrome (mtDNA deletion); Leigh Disease; Subacute necrotizing encephalopathy; Necrotizing encephalopathy infantile subacute of Leigh. Identifiers: Orphanet 506, MedGen C2931891, MONDO:0009723, OMIM 256000.

Submission:

Wong Mito Lab, Molecular and Human Genetics, Baylor College of Medicine
Classification: Benign for Leigh syndrome. Last evaluated: 2019-10-17. Review status: criteria provided, single submitter. Criteria: Modified ACMG Guidelines (Unpublished). Collection method: clinical testing. Allele origin: germline.
Comment: The NC_012920.1:m.9664A>G (YP_003024032.1:p.Glu153Gly) variant in MTCO3 gene is interpretated to be a Benign variant based on the modified ACMG guidelines (unpublished). This variant meets the following evidence codes: BS1, BS2, BP4